The following is an entry in ClinVar:

NM_003070.5(SMARCA2):c.4196A>G (p.Asp1399Gly)

Gene: SMARCA2 (SWI/SNF related BAF chromatin remodeling complex subunit ATPase 2; plus strand). Cytogenetic location: 9p24.3.
Variant type: single nucleotide variant.
Coding change: c.4196A>G on transcript NM_003070.5 (MANE Select); coding-DNA position 4196, A replaced by G.
Protein change: p.Asp1399Gly; replaces aspartic acid 1399 with glycine.
Molecular consequence: missense variant.
Genome position (GRCh38, 1-based): chr9:2,161,900, A>G. VCF-style: chr9-2161900-A-G. GRCh37 (hg19) VCF-style: chr9-2161900-A-G.
Other names: c.4196A>G, p.Asp1399Gly (NM_001289396.2, NM_139045.4); c.4022A>G, p.Asp1341Gly (NM_001289397.2); c.224A>G, p.Asp75Gly (NM_001289398.2); c.308A>G, p.Asp103Gly (NM_001289399.2); c.314A>G, p.Asp105Gly (NM_001289400.2); short protein forms D105G, D1341G, D75G, D103G, D1399G.
Identifiers: ClinVar variation 2772524 (VCV002772524.3), dbSNP rs2537508248, ClinGen allele CA372787135.
Genomic context (GRCh38, chr9:2,161,900, plus strand): 5'-ATCCCCCCAAACTGACAAAGCAGATGAACGCTATCATCGATACTGTGATAAACTACAAAG[A>G]TAGGTGAGTGTTTGGTTCCTTCACCTTGATCATCTCTCACCAAGACGCCGAGTGGCGCTC-3'
Protein context (NP_003061.3, residues 1389-1409): AIIDTVINYK[Asp1399Gly]RCNVEKVPSN

ClinVar aggregate classification (germline): Uncertain significance (1 of 4 stars; one submission).

Submission:

Labcorp Genetics (formerly Invitae), Labcorp
Classification: Uncertain significance. Last evaluated: 2023-10-28. Review status: criteria provided, single submitter. Criteria: Invitae Variant Classification Sherloc (09022015). Collection method: clinical testing. Allele origin: germline.
Comment: This sequence change replaces aspartic acid, which is acidic and polar, with glycine, which is neutral and non-polar, at codon 1399 of the SMARCA2 protein (p.Asp1399Gly). This variant is not present in population databases (gnomAD no frequency). This variant has not been reported in the literature in individuals affected with SMARCA2-related conditions. Advanced modeling of protein sequence and biophysical properties (such as structural, functional, and spatial information, amino acid conservation, physicochemical variation, residue mobility, and thermodynamic stability) has been performed at Invitae for this missense variant, however the output from this modeling did not meet the statistical confidence thresholds required to predict the impact of this variant on SMARCA2 protein function. Algorithms developed to predict the effect of sequence changes on RNA splicing suggest that this variant may disrupt the consensus splice site. In summary, the available evidence is currently insufficient to determine the role of this variant in disease. Therefore, it has been classified as a Variant of Uncertain Significance.